The following is an entry in ClinVar:

ClinVar aggregate classification (germline): Uncertain significance (1 of 4 stars; one submission).

Conditions:
MEGF10-related myopathy (CMYO10A). Also called: Congenital myopathy 10A, severe variant. Identifiers: Orphanet 439212, MedGen C3280679, MONDO:0013731, OMIM 614399.

Allele frequency attached by ClinVar (database versions not stated): gnomAD 0.00001; gnomAD exomes 0.00001; TOPMed 0.00001.
gnomAD v4.1: 6 of 1,614,034 alleles (0.00037%); highest among the groups gnomAD compares: African/African-American, 0.0013%; no homozygotes.

Submission:

Labcorp Genetics (formerly Invitae), Labcorp
Classification: Uncertain significance for MEGF10-related myopathy. Last evaluated: 2022-11-08. Review status: criteria provided, single submitter. Criteria: Invitae Variant Classification Sherloc (09022015). Collection method: clinical testing. Allele origin: germline.
Comment: In summary, the available evidence is currently insufficient to determine the role of this variant in disease. Therefore, it has been classified as a Variant of Uncertain Significance. Algorithms developed to predict the effect of missense changes on protein structure and function output the following: SIFT: "Tolerated"; PolyPhen-2: "Benign"; Align-GVGD: "Class C0". The alanine amino acid residue is found in multiple mammalian species, which suggests that this missense change does not adversely affect protein function. This variant has not been reported in the literature in individuals affected with MEGF10-related conditions. This variant is present in population databases (no rsID available, gnomAD 0.007%). This sequence change replaces threonine, which is neutral and polar, with alanine, which is neutral and non-polar, at codon 938 of the MEGF10 protein (p.Thr938Ala).

NM_001256545.2(MEGF10):c.2812A>G (p.Thr938Ala)

Gene: MEGF10 (multiple EGF like domains 10; plus strand). Cytogenetic location: 5q23.2.
Variant type: single nucleotide variant.
Coding change: c.2812A>G on transcript NM_001256545.2 (MANE Select); coding-DNA position 2812, A replaced by G.
Protein change: p.Thr938Ala; replaces threonine 938 with alanine.
Molecular consequence: missense variant.
Genome position (GRCh38, 1-based): chr5:127,447,640, A>G. VCF-style: chr5-127447640-A-G. GRCh37 (hg19) VCF-style: chr5-126783332-A-G.
Other names: c.2812A>G, p.Thr938Ala (NM_032446.3); short protein forms T938A.
Identifiers: ClinVar variation 1977690 (VCV001977690.5), dbSNP rs1471659032, ClinGen allele CA360735223.